The following is an entry in ClinVar:

ClinVar aggregate classification (germline): Uncertain significance (1 of 4 stars; one submission).

Submission:

Labcorp Genetics (formerly Invitae), Labcorp
Classification: Uncertain significance. Last evaluated: 2025-02-13. Review status: criteria provided, single submitter. Criteria: Invitae Variant Classification Sherloc (09022015). Collection method: clinical testing. Allele origin: germline.
Comment: This sequence change replaces valine, which is neutral and non-polar, with alanine, which is neutral and non-polar, at codon 912 of the DIP2C protein (p.Val912Ala). This variant is not present in population databases (gnomAD no frequency). This variant has not been reported in the literature in individuals affected with DIP2C-related conditions. An algorithm developed to predict the effect of missense changes on protein structure and function (PolyPhen-2) suggests that this variant is likely to be tolerated. In summary, the available evidence is currently insufficient to determine the role of this variant in disease. Therefore, it has been classified as a Variant of Uncertain Significance.

NM_014974.3(DIP2C):c.2735T>C (p.Val912Ala)

Gene: DIP2C (DIP2 acetate--CoA ligase C (putative); minus strand). Cytogenetic location: 10p15.3.
Variant type: single nucleotide variant.
Coding change: c.2735T>C on transcript NM_014974.3 (MANE Select); coding-DNA position 2735, T replaced by C.
Protein change: p.Val912Ala; replaces valine 912 with alanine.
Molecular consequence: missense variant.
Genome position (GRCh38, 1-based): chr10:362,549, A>G on the plus strand (T>C on the coding strand, the complement: DIP2C is on the minus strand). VCF-style: chr10-362549-A-G. GRCh37 (hg19) VCF-style: chr10-408489-A-G.
Other names: short protein forms V912A.
Identifiers: ClinVar variation 4713070 (VCV004713070.1).